The following is an entry in ClinVar:

NM_016343.4(CENPF):c.196A>T (p.Lys66Ter)

Genes: CENPF (centromere protein F; plus strand), LOC126806006 (BRD4-independent group 4 enhancer GRCh37_chr1:214788162-214789361; plus strand). Cytogenetic location: 1q41.
Variant type: single nucleotide variant.
Coding change: c.196A>T on transcript NM_016343.4 (MANE Select); coding-DNA position 196, A replaced by T.
Protein change: p.Lys66Ter; replaces lysine 66 with a stop codon.
Molecular consequence: nonsense.
Genome position (GRCh38, 1-based): chr1:214,614,865, A>T. VCF-style: chr1-214614865-A-T. GRCh37 (hg19) VCF-style: chr1-214788208-A-T.
Other names: short protein forms K66*.
Identifiers: ClinVar variation 3345494 (VCV003345494.1).

ClinVar aggregate classification (germline): Pathogenic (0 of 4 stars; one submission).

Conditions:
CENPF-related disorder. Also called: CENPF-related condition.

Submission:

PreventionGenetics, part of Exact Sciences
Classification: Pathogenic for CENPF-related condition. Last evaluated: 2024-06-21. Review status: no assertion criteria provided. Collection method: clinical testing. Allele origin: germline.
Comment: The CENPF c.196A>T variant is predicted to result in premature protein termination (p.Lys66*). To our knowledge, this variant has not been reported in the literature or in a large population database, indicating this variant is rare. Nonsense variants in CENPF are expected to be pathogenic. This variant is interpreted as pathogenic.